The following is an entry in ClinVar:

NM_004187.5(KDM5C):c.1762C>T (p.Gln588Ter)

Gene: KDM5C (lysine demethylase 5C; minus strand). Cytogenetic location: Xp11.22.
Variant type: single nucleotide variant.
Coding change: c.1762C>T on transcript NM_004187.5 (MANE Select); coding-DNA position 1762, C replaced by T.
Protein change: p.Gln588Ter; replaces glutamine 588 with a stop codon.
Molecular consequence: nonsense. On other transcripts: non-coding transcript variant (3).
Genome position (GRCh38, 1-based): chrX:53,201,958, G>A on the plus strand (C>T on the coding strand, the complement: KDM5C is on the minus strand). VCF-style: chrX-53201958-G-A. GRCh37 (hg19) VCF-style: chrX-53231140-G-A.
Other names: c.1561C>T, p.Gln521Ter (NM_001146702.2); c.1759C>T, p.Gln587Ter (NM_001282622.3, NM_001353979.2, NM_001353982.2); c.1762C>T, p.Gln588Ter (NM_001353978.3, NM_001353981.2, NM_001353984.2); short protein forms Q521*, Q587*, Q588*.
Identifiers: ClinVar variation 1992549 (VCV001992549.10), dbSNP rs2519442933, ClinGen allele CA413125033.

ClinVar aggregate classification (germline): Pathogenic. Review status: criteria provided, multiple submitters, no conflicts (2 of 4 stars). 2 submissions from 2 submitters: Pathogenic (2). Last evaluated 2025-11-01.

Conditions:
Spastic paraplegia. Identifiers: MedGen C0037772, HP:0001258.

Allele frequency attached by ClinVar (database versions not stated): gnomAD exomes below 0.00001.
gnomAD v4.1: 1 of 1,211,824 alleles (0.000083%); highest among the groups gnomAD compares: Non-Finnish European, 0.00011%; no homozygotes.

Submissions (2):

CeGaT Center for Human Genetics Tuebingen
Classification: Pathogenic. Last evaluated: 2025-11-01. Review status: criteria provided, single submitter. Criteria: CeGaT Center For Human Genetics Tuebingen Variant Classification Criteria Version 2. Collection method: clinical testing. Allele origin: germline. Affected: yes. Observed: 1 variant allele.
Comment: KDM5C: PVS1, PM2

Labcorp Genetics (formerly Invitae), Labcorp
Classification: Pathogenic for Spastic paraplegia. Last evaluated: 2024-10-07. Review status: criteria provided, single submitter. Criteria: Invitae Variant Classification Sherloc (09022015). Collection method: clinical testing. Allele origin: germline.
Comment: This sequence change creates a premature translational stop signal (p.Gln588*) in the KDM5C gene. It is expected to result in an absent or disrupted protein product. Loss-of-function variants in KDM5C are known to be pathogenic (PMID: 15586325, 18697827). This variant is not present in population databases (gnomAD no frequency). This variant has not been reported in the literature in individuals affected with KDM5C-related conditions. ClinVar contains an entry for this variant (Variation ID: 1992549). For these reasons, this variant has been classified as Pathogenic.

Literature cited by the submitters: PubMed 15586325 (cited by Labcorp Genetics (formerly Invitae), Labcorp); PubMed 18697827 (cited by Labcorp Genetics (formerly Invitae), Labcorp).